The following is an entry in ClinVar:

ClinVar aggregate classification (germline): Uncertain significance (1 of 4 stars; one submission).

Conditions:
Tuberous sclerosis 2 (TSC2). Identifiers: Orphanet 805, MedGen C1860707, MONDO:0013199, OMIM 613254.

Submission:

Labcorp Genetics (formerly Invitae), Labcorp
Classification: Uncertain significance for Tuberous sclerosis 2. Last evaluated: 2019-10-23. Review status: criteria provided, single submitter. Criteria: Invitae Variant Classification Sherloc (09022015). Collection method: clinical testing. Allele origin: germline.
Comment: This sequence change replaces arginine with glycine at codon 1729 of the TSC2 protein (p.Arg1729Gly). The arginine residue is highly conserved and there is a moderate physicochemical difference between arginine and glycine. This variant is not present in population databases (ExAC no frequency). This variant has not been reported in the literature in individuals with TSC2-related conditions. Algorithms developed to predict the effect of missense changes on protein structure and function are either unavailable or do not agree on the potential impact of this missense change (SIFT: "Deleterious"; PolyPhen-2: "Probably Damaging"; Align-GVGD: "Class C0"). In summary, the available evidence is currently insufficient to determine the role of this variant in disease. Therefore, it has been classified as a Variant of Uncertain Significance.

NM_000548.5(TSC2):c.5185C>G (p.Arg1729Gly)

Gene: TSC2 (TSC complex subunit 2; plus strand). Cytogenetic location: 16p13.3.
Variant type: single nucleotide variant.
Coding change: c.5185C>G on transcript NM_000548.5 (MANE Select); coding-DNA position 5185, C replaced by G.
Protein change: p.Arg1729Gly; replaces arginine 1729 with glycine.
Molecular consequence: missense variant.
Genome position (GRCh38, 1-based): chr16:2,088,251, C>G. VCF-style: chr16-2088251-C-G. GRCh37 (hg19) VCF-style: chr16-2138252-C-G.
Other names: c.4984C>G, p.Arg1662Gly (NM_001077183.3); c.5116C>G, p.Arg1706Gly (NM_001114382.3); c.4876C>G, p.Arg1626Gly (NM_001318827.2); c.4840C>G, p.Arg1614Gly (NM_001318829.2); c.4453C>G, p.Arg1485Gly (NM_001318831.2); c.5017C>G, p.Arg1673Gly (NM_001318832.2); c.4987C>G, p.Arg1663Gly (NM_001363528.2); c.5053C>G, p.Arg1685Gly (NM_001370404.1); and 2 more; short protein forms R1614G, R1662G, R1682G, R1706G, R1729G, R1626G, R1673G, R1685G.
Identifiers: ClinVar variation 961310 (VCV000961310.9), dbSNP rs45517409, ClinGen allele CA394314122.
Genomic context (GRCh38, chr16:2,088,251, plus strand): 5'-CCTGATAGTGAGCTCACCCCCTGCCTACGTCCCCAGATGGCCTCACAGGTGCATCATAGC[C>G]GCTCCAACCCCACCGATATCTACCCCTCCAAGTGGATTGCCCGGCTCCGCCACATCAAGC-3'
Protein context (NP_000539.2, residues 1719-1739): ANMASQVHHS[Arg1729Gly]SNPTDIYPSK